The following is an entry in ClinVar:

ClinVar aggregate classification (germline): Pathogenic/Likely pathogenic. Review status: criteria provided, multiple submitters, no conflicts (2 of 4 stars). 4 submissions from 4 submitters: Pathogenic (1); Likely pathogenic (2). 1 of the submissions does not count toward it. Last evaluated 2024-08-15.

Conditions:
ALG6-congenital disorder of glycosylation 1C (CDG1C). Also called: CARBOHYDRATE-DEFICIENT GLYCOPROTEIN SYNDROME, TYPE I, WITH DEFICIENT GLYCOSYLATION OF DOLICHOL-LINKED OLIGOSACCHARIDE; CARBOHYDRATE-DEFICIENT GLYCOPROTEIN SYNDROME, TYPE V; Congenital disorder of glycosylation type 1C; Congenital disorder of glycosylation, type Ic; CDG Ic. Identifiers: Orphanet 79320, MedGen C2930997, MONDO:0011291, OMIM 603147.

Submissions (4):

Natera, Inc.
Classification: Likely pathogenic for Congenital disorder of glycosylation type 1c. Last evaluated: 2024-08-15. Review status: criteria provided, single submitter. Criteria: Natera Variant Classification Schema (03/2026). Collection method: clinical testing. Allele origin: germline.
Comment: The c.1136del variant in ALG6 is a frameshift variant predicted to shift the reading frame beginning at codon 379 and leads to a stop codon 4 codons downstream. This variant is expected to result in nonsense mediated decay, truncation, or a dysfunctional protein product. This variant is rare in the general population with a frequency below the threshold expected for the associated phenotype(s). Given the available evidence, this variant is classified as Likely Pathogenic.

Baylor Genetics
Classification: Likely pathogenic for ALG6-congenital disorder of glycosylation 1C. Last evaluated: 2023-04-04. Review status: criteria provided, single submitter. Criteria: ACMG Guidelines, 2015. Collection method: clinical testing. Allele origin: unknown.

Labcorp Genetics (formerly Invitae), Labcorp
Classification: Pathogenic for ALG6-congenital disorder of glycosylation 1C. Last evaluated: 2022-10-01. Review status: criteria provided, single submitter. Criteria: Invitae Variant Classification Sherloc (09022015). Collection method: clinical testing. Allele origin: germline.
Comment: For these reasons, this variant has been classified as Pathogenic. ClinVar contains an entry for this variant (Variation ID: 555579). This variant has not been reported in the literature in individuals affected with ALG6-related conditions. This variant is not present in population databases (gnomAD no frequency). This sequence change creates a premature translational stop signal (p.Pro379Leufs*4) in the ALG6 gene. It is expected to result in an absent or disrupted protein product. Loss-of-function variants in ALG6 are known to be pathogenic (PMID: 19862844).

Counsyl
Classification: Likely pathogenic for ALG6-congenital disorder of glycosylation 1C. Last evaluated: 2017-12-15. Review status: no assertion criteria provided. Collection method: clinical testing. Allele origin: unknown. Not counted in ClinVar's aggregate classification.

Literature cited by the submitters: PubMed 19862844 (cited by Labcorp Genetics (formerly Invitae), Labcorp).

NM_013339.4(ALG6):c.1136del (p.Pro379fs)

Gene: ALG6 (ALG6 alpha-1,3-glucosyltransferase; plus strand). Cytogenetic location: 1p31.3.
Variant type: Deletion.
Coding change: c.1136del on transcript NM_013339.4 (MANE Select); coding-DNA position 1136, one base deleted (C; older notation c.1136delC).
Protein change: p.Pro379fs; shifts the reading frame from proline 379.
Molecular consequence: frameshift variant.
Genome position (GRCh38, 1-based): chr1:63,428,936, C deleted; the last of 2 consecutive C bases (chr1:63,428,935-63,428,936); deleting either gives the same sequence. VCF-style (leftmost placement, unchanged base first): chr1-63428934-AC-A. GRCh37 (hg19) VCF-style: chr1-63894605-AC-A.
Other names: c.1136del, p.Pro379fs (LRG_1260t1); c.1136del (NM_013339.3); short protein forms P379fs.
Identifiers: ClinVar variation 555579 (VCV000555579.8), dbSNP rs1553156884, ClinGen allele CA658821067.